The following is an entry in ClinVar:

NM_000157.3(GBA1):c.[1448T>C];[167T>G]

Variant type: CompoundHeterozygote.
Identifiers: ClinVar variation 424819 (VCV000424819.3).

ClinVar aggregate classification (germline): Likely pathogenic (0 of 4 stars; one submission).

Conditions:
Gaucher disease type I (GD1). Also called: ACID BETA-GLUCOSIDASE DEFICIENCY; GAUCHER DISEASE, NONCEREBRAL JUVENILE; GBA DEFICIENCY; GD I; GLUCOCEREBROSIDASE DEFICIENCY; Gaucher's disease, type 1. Identifiers: Orphanet 355, Orphanet 77259, MedGen C1961835, MONDO:0009265, OMIM 230800.

Submission:

Foundation for Research in Genetics and Endocrinology, FRIGE's Institute of Human Genetics
Classification: Likely pathogenic for Gaucher disease type I. Last evaluated: 2015-09-25. Review status: no assertion criteria provided. Collection method: research. Allele origin: germline. Inheritance: Autosomal recessive inheritance. Affected: yes. Observed: 1 compound heterozygote.
Comment: Variantc.167T>G/p.V56G (ENST00000368373) was found to be pathogenic by online software like Mutation Taster, SIFT and Polyphen-2.